The following is an entry in ClinVar:

ClinVar aggregate classification (germline): Uncertain significance (1 of 4 stars; one submission).

Submission:

Labcorp Genetics (formerly Invitae), Labcorp
Classification: Uncertain significance. Last evaluated: 2022-06-14. Review status: criteria provided, single submitter. Criteria: Invitae Variant Classification Sherloc (09022015). Collection method: clinical testing. Allele origin: germline.
Comment: This variant is not present in population databases (gnomAD no frequency). This variant, c.973_975del, results in the deletion of 1 amino acid(s) of the TET2 protein (p.Gln325del), but otherwise preserves the integrity of the reading frame. This variant has not been reported in the literature in individuals affected with TET2-related conditions. In summary, the available evidence is currently insufficient to determine the role of this variant in disease. Therefore, it has been classified as a Variant of Uncertain Significance. Experimental studies and prediction algorithms are not available or were not evaluated, and the functional significance of this variant is currently unknown.

NM_001127208.3(TET2):c.967CAA[2] (p.Gln325del)

Genes: TET2 (tet methylcytosine dioxygenase 2; plus strand), TET2-AS1 (TET2 antisense RNA 1; minus strand). Cytogenetic location: 4q24.
Variant type: Microsatellite.
Coding change: c.967CAA[2] on transcript NM_001127208.3 (MANE Select); two copies in a row of the 3-base unit CAA starting at c.967; the reference has three copies in a row; one copy, 3 bases deleted.
Protein change: p.Gln325del; deletes glutamine 325.
Molecular consequence: inframe deletion.
Genome position (GRCh38, 1-based): chr4:105,234,915-105,234,917, CAA deleted; deleting any 3 consecutive bases within chr4:105,234,908-105,234,917 gives the same sequence; the position shown is the placement nearest the transcript's 3' end. VCF-style (leftmost placement, unchanged base first): chr4-105234907-TACA-T. GRCh37 (hg19) VCF-style: chr4-106156064-TACA-T.
Other names: c.967CAA[2], p.Gln325del (NM_017628.4); short protein forms Q325del.
Identifiers: ClinVar variation 2006580 (VCV002006580.4), dbSNP rs1259759042, ClinGen allele CA784823300.